The following is an entry in ClinVar:

ClinVar aggregate classification (germline): Benign (1 of 4 stars; one submission).

Conditions:
Factor 5 and Factor VIII, combined deficiency of, 2. Identifiers: Orphanet 35909, MedGen C3150889, MONDO:0013331, OMIM 613625.

Allele frequency attached by ClinVar (database versions not stated): TOPMed 0.01093; gnomAD 0.00925 and 0.01009; 1000 Genomes Project 0.00899; 1000 Genomes Project 30x 0.00937.

Submission:

Illumina Laboratory Services, Illumina
Classification: Benign for Factor 5 and Factor VIII, combined deficiency of, 2. Last evaluated: 2017-04-27. Review status: criteria provided, single submitter. Criteria: ICSL Variant Classification Criteria 13 December 2019. Collection method: clinical testing. Allele origin: germline.
Comment: This variant was observed as part of a predisposition screen in an ostensibly healthy population. A literature search was performed for the gene, cDNA change, and amino acid change (where applicable). No publications were found based on this search. Allele frequency data from public databases was too high to be consistent with this variant causing disease. Therefore, this variant is classified as benign.

NM_139279.6(MCFD2):c.*1124G>A

Genes: MCFD2 (multiple coagulation factor deficiency 2, ER cargo receptor complex subunit; minus strand), MCFD2-AS1 (MCFD2 antisense RNA 1; plus strand). Cytogenetic location: 2p21.
Variant type: single nucleotide variant.
Coding change: c.*1124G>A on transcript NM_139279.6 (MANE Select); 1124 bases downstream of the stop codon, G replaced by A.
Molecular consequence: 3 prime UTR variant.
Genome position (GRCh38, 1-based): chr2:46,904,339, C>T on the plus strand (G>A on the coding strand, the complement: MCFD2 is on the minus strand). VCF-style: chr2-46904339-C-T. GRCh37 (hg19) VCF-style: chr2-47131478-C-T.
Other names: c.*1124G>A (NM_001171506.2, NM_001171507.2, NM_001171508.2 and 3 more transcripts).
Identifiers: ClinVar variation 899156 (VCV000899156.4), dbSNP rs190398265, ClinGen allele CA46624203.